The following is an entry in ClinVar:

ClinVar aggregate classification (germline): Uncertain significance (1 of 4 stars; one submission).

Conditions:
Werner syndrome (WRN). Identifiers: Orphanet 902, MedGen C0043119, MONDO:0010196, OMIM 277700.

gnomAD v4.1: 2 of 1,613,940 alleles (0.00012%); highest among the groups gnomAD compares: East Asian, 0.0045%; no homozygotes.

Submission:

Labcorp Genetics (formerly Invitae), Labcorp
Classification: Uncertain significance for Werner syndrome. Last evaluated: 2024-03-20. Review status: criteria provided, single submitter. Criteria: Invitae Variant Classification Sherloc (09022015). Collection method: clinical testing. Allele origin: germline.
Comment: This sequence change replaces arginine, which is basic and polar, with proline, which is neutral and non-polar, at codon 711 of the WRN protein (p.Arg711Pro). This variant is present in population databases (rs750658657, gnomAD 0.01%). This variant has not been reported in the literature in individuals affected with WRN-related conditions. ClinVar contains an entry for this variant (Variation ID: 528114). An algorithm developed to predict the effect of missense changes on protein structure and function (PolyPhen-2) suggests that this variant is likely to be disruptive. In summary, the available evidence is currently insufficient to determine the role of this variant in disease. Therefore, it has been classified as a Variant of Uncertain Significance.

NM_000553.6(WRN):c.2132G>C (p.Arg711Pro)

Gene: WRN (WRN RecQ like helicase; plus strand). Cytogenetic location: 8p12.
Variant type: single nucleotide variant.
Coding change: c.2132G>C on transcript NM_000553.6 (MANE Select); coding-DNA position 2132, G replaced by C.
Protein change: p.Arg711Pro; replaces arginine 711 with proline.
Molecular consequence: missense variant.
Genome position (GRCh38, 1-based): chr8:31,111,658, G>C. VCF-style: chr8-31111658-G-C. GRCh37 (hg19) VCF-style: chr8-30969174-G-C.
Other names: short protein forms R711P.
Identifiers: ClinVar variation 528114 (VCV000528114.6), dbSNP rs750658657, ClinGen allele CA4704655.
Genomic context (GRCh38, chr8:31,111,658, plus strand): 5'-AGTTTTACATCATTCAGGTTCCAATCGTTGCACTTACTGCTACTGCAAGTTCTTCAATCC[G>C]GGAAGACATTGTACGTTGCTTAAATCTGAGAAATCCTCAGATCACCTGTACTGGTTTTGA-3'
Protein context (NP_000544.2, residues 701-721): ALTATASSSI[Arg711Pro]EDIVRCLNLR